The following is an entry in ClinVar:

NM_022367.4(SEMA4A):c.2138G>A (p.Arg713Gln)

Gene: SEMA4A (semaphorin 4A; plus strand). Cytogenetic location: 1q22.
Variant type: single nucleotide variant.
Coding change: c.2138G>A on transcript NM_022367.4 (MANE Select); coding-DNA position 2138, G replaced by A.
Protein change: p.Arg713Gln; replaces arginine 713 with glutamine.
Molecular consequence: missense variant.
Genome position (GRCh38, 1-based): chr1:156,176,849, G>A. VCF-style: chr1-156176849-G-A. GRCh37 (hg19) VCF-style: chr1-156146640-G-A.
Other names: c.2138G>A, p.Arg713Gln (NM_001193300.2, NM_001193301.2, NM_001370567.1); c.1742G>A, p.Arg581Gln (NM_001193302.2); c.1841G>A, p.Arg614Gln (NM_001370568.1); c.1631G>A, p.Arg544Gln (NM_001370569.1, NM_001370571.1); short protein forms R713Q, R544Q, R581Q, R614Q.
Identifiers: ClinVar variation 3362 (VCV000003362.38), dbSNP rs41265017, ClinGen allele CA201231.

ClinVar aggregate classification (germline): Benign/Likely benign. Review status: criteria provided, multiple submitters, no conflicts (2 of 4 stars). 17 submissions from 15 submitters: Benign (7); Likely benign (7). 3 of the submissions do not count toward it. Last evaluated 2026-02-03.

Conditions:
Retinal dystrophy. Also called: Inherited retinal dystrophy. Identifiers: Orphanet 71862, MedGen C0854723, MeSH D058499, MONDO:0019118, HP:0000556.
Retinitis pigmentosa 35 (RP35). Identifiers: Orphanet 791, MedGen C1853214, MONDO:0012463, OMIM 610282.
Cone-rod dystrophy 10 (CORD10). Identifiers: Orphanet 1872, MedGen C1846529, MONDO:0012464, OMIM 610283.
Retinitis pigmentosa (RP). Identifiers: Orphanet 791, MedGen C0035334, MeSH D012174, MONDO:0019200, OMIM 268000. Inheritance: Autosomal dominant, autosomal recessive and X linked inheritance.

Allele frequency attached by ClinVar (database versions not stated): gnomAD 0.03238 and 0.03176; ExAC 0.03541; 1000 Genomes Project 30x 0.02092; TOPMed 0.03194; ESP Exome Variant Server 0.03468; gnomAD exomes 0.03741 and 0.04045; 1000 Genomes Project 0.02177.
gnomAD v4.1: 64,416 of 1,614,210 alleles (4%); highest among the groups gnomAD compares: Middle Eastern, 9.1%; 1,578 homozygotes.

Submissions (17):

Labcorp Genetics (formerly Invitae), Labcorp
Classification: Benign. Last evaluated: 2026-02-03. Review status: criteria provided, single submitter. Criteria: Invitae Variant Classification Sherloc (09022015). Collection method: clinical testing. Allele origin: germline.

ARUP Laboratories, Molecular Genetics and Genomics, ARUP Laboratories
Classification: Benign. Last evaluated: 2023-11-22. Review status: criteria provided, single submitter. Criteria: ARUP Molecular Germline Variant Investigation Process 2024. Collection method: clinical testing. Allele origin: germline.

Victorian Clinical Genetics Services, Murdoch Childrens Research Institute
Classification: Likely benign for Cone-rod dystrophy 10. Last evaluated: 2023-07-17. Review status: criteria provided, single submitter. Criteria: ACMG Guidelines, 2015. Collection method: clinical testing. Allele origin: germline. Inheritance: Autosomal recessive inheritance.
Comment: Based on the classification scheme VCGS_Germline_v1.3.4, this variant is classified as likely benign. Following criteria are met: 0308 - Population frequency for this variant is out of keeping with known incidence of cone-rod dystrophy 10 (MIM#610283), with 132 homozygotes in gnomAD v3. (SB) Legend: (SP) - Supporting pathogenic, (I) - Information, (SB) - Supporting benign

Genome-Nilou Lab
Classification: Likely benign for Cone-rod dystrophy 10. Last evaluated: 2023-04-11. Review status: criteria provided, single submitter. Criteria: ACMG Guidelines, 2015. Collection method: clinical testing. Allele origin: germline. Affected: no.

Genome-Nilou Lab
Classification: Likely benign for Retinitis pigmentosa 35. Last evaluated: 2023-04-11. Review status: criteria provided, single submitter. Criteria: ACMG Guidelines, 2015. Collection method: clinical testing. Allele origin: germline. Affected: no.

Department of Pathology and Laboratory Medicine, Sinai Health System
Classification: Benign for Retinitis pigmentosa 35; Cone-rod dystrophy 10. Last evaluated: 2023-01-18. Review status: criteria provided, single submitter. Criteria: ACMG Guidelines, 2015. Collection method: research. Allele origin: germline.

Institute of Human Genetics, Univ. Regensburg, Univ. Regensburg
Classification: Likely benign for Retinal dystrophy. Last evaluated: 2020-01-01. Review status: criteria provided, single submitter. Criteria: ACMG Guidelines, 2015. Collection method: clinical testing. Allele origin: germline. Affected: yes.

GeneDx
Classification: Benign. Last evaluated: 2018-05-25. Review status: criteria provided, single submitter. Criteria: GeneDx Variant Classification (06012015). Collection method: clinical testing. Allele origin: germline. Affected: yes.
Comment: This variant is considered likely benign or benign based on one or more of the following criteria: it is a conservative change, it occurs at a poorly conserved position in the protein, it is predicted to be benign by multiple in silico algorithms, and/or has population frequency not consistent with disease.

Illumina Laboratory Services, Illumina
Classification: Likely benign for Cone-rod dystrophy 10. Last evaluated: 2017-04-27. Review status: criteria provided, single submitter. Criteria: ICSL Variant Classification Criteria 13 December 2019. Collection method: clinical testing. Allele origin: germline.
Comment: This variant was observed as part of a predisposition screen in an ostensibly healthy population. A literature search was performed for the gene, cDNA change, and amino acid change (where applicable). No publications were found based on this search. Allele frequency data from public databases allowed determination this variant is unlikely to cause disease. Therefore, this variant is classified as likely benign.

Illumina Laboratory Services, Illumina
Classification: Likely benign for Retinitis pigmentosa. Last evaluated: 2017-04-27. Review status: criteria provided, single submitter. Criteria: ICSL Variant Classification Criteria 13 December 2019. Collection method: clinical testing. Allele origin: germline.
Comment: the same text as in the submission from Illumina Laboratory Services, Illumina above.

Laboratory for Molecular Medicine, Mass General Brigham Personalized Medicine
Classification: Benign. Last evaluated: 2016-04-25. Review status: criteria provided, single submitter. Criteria: LMM Criteria. Collection method: clinical testing. Allele origin: germline.
Comment: Variant identified in a genome or exome case(s) and assessed due to predicted null impact of the variant or pathogenic assertions in the literature or databases. Disclaimer: This variant has not undergone full assessment. The following are preliminary notes: Frequency in ESP (all): 451/13006=3.4%

Eurofins Ntd Llc (ga)
Classification: Benign. Last evaluated: 2014-09-03. Review status: criteria provided, single submitter. Criteria: EGL Classification Definitions 2015. Collection method: clinical testing. Allele origin: germline.

Breakthrough Genomics
Classification: Likely benign. Review status: criteria provided, single submitter. Criteria: ACMG Guidelines, 2015. Collection method: not provided. Allele origin: germline. Inheritance: Autosomal recessive inheritance. Affected: yes.

PreventionGenetics, part of Exact Sciences
Classification: Benign. Review status: criteria provided, single submitter. Criteria: ACMG Guidelines, 2015. Collection method: clinical testing. Allele origin: germline.

OMIM
Classification: Uncertain significance for RECLASSIFIED - VARIANT OF UNKNOWN SIGNIFICANCE. Last evaluated: 2013-01-01. Review status: no assertion criteria provided. Collection method: literature only. Allele origin: germline. Not counted in ClinVar's aggregate classification.

Clinical Genetics, Academic Medical Center
Classification: Benign. Review status: no assertion criteria provided. Collection method: clinical testing. Allele origin: germline. Affected: yes. Study: VKGL Data-share Consensus. Not counted in ClinVar's aggregate classification.

Genome Diagnostics Laboratory, University Medical Center Utrecht
Classification: Benign. Review status: no assertion criteria provided. Collection method: clinical testing. Allele origin: germline. Affected: yes. Study: VKGL Data-share Consensus. Not counted in ClinVar's aggregate classification.

Literature cited by the submitters: PubMed 16199541 (cited by Institute of Human Genetics, Univ. Regensburg, Univ. Regensburg and OMIM); PubMed 20981092 (cited by Institute of Human Genetics, Univ. Regensburg, Univ. Regensburg); PubMed 22956603 (cited by Institute of Human Genetics, Univ. Regensburg, Univ. Regensburg); PubMed 23360997 (cited by Institute of Human Genetics, Univ. Regensburg, Univ. Regensburg and OMIM); PubMed 25333069 (cited by Institute of Human Genetics, Univ. Regensburg, Univ. Regensburg); PubMed 27884173 (cited by Institute of Human Genetics, Univ. Regensburg, Univ. Regensburg); PubMed 28805479 (cited by Institute of Human Genetics, Univ. Regensburg, Univ. Regensburg and OMIM); PubMed 30910914 (cited by Institute of Human Genetics, Univ. Regensburg, Univ. Regensburg).